The following is an entry in ClinVar:

NM_000038.6(APC):c.3397G>T (p.Asp1133Tyr)

Gene: APC (APC regulator of Wnt signaling pathway; plus strand). Cytogenetic location: 5q22.2.
Variant type: single nucleotide variant.
Coding change: c.3397G>T on transcript NM_000038.6 (MANE Select); coding-DNA position 3397, G replaced by T.
Protein change: p.Asp1133Tyr; replaces aspartic acid 1133 with tyrosine.
Molecular consequence: missense variant. On other transcripts: non-coding transcript variant (2).
Genome position (GRCh38, 1-based): chr5:112,838,991, G>T. VCF-style: chr5-112838991-G-T. GRCh37 (hg19) VCF-style: chr5-112174688-G-T.
Other names: c.3397G>T, p.Asp1133Tyr (NM_001127510.3, NM_001354895.2, NM_001407450.1); c.3343G>T, p.Asp1115Tyr (NM_001127511.3); c.3451G>T, p.Asp1151Tyr (NM_001354896.2, NM_001407447.1, NM_001407448.1 and 1 more transcripts); c.3427G>T, p.Asp1143Tyr (NM_001354897.2); c.3322G>T, p.Asp1108Tyr (NM_001354898.2); c.3313G>T, p.Asp1105Tyr (NM_001354899.2); c.3274G>T, p.Asp1092Tyr (NM_001354900.2); c.3220G>T, p.Asp1074Tyr (NM_001354901.2, NM_001407453.1); and 11 more; short protein forms D1007Y, D1032Y, D1050Y, D1115Y, D1126Y, D1151Y, D1161Y, D850Y.
Identifiers: ClinVar variation 4838073 (VCV004838073.1).

ClinVar aggregate classification (germline): Uncertain significance (1 of 4 stars; one submission).

Conditions:
Hereditary cancer-predisposing syndrome. Also called: Neoplastic Syndromes, Hereditary; Tumor predisposition; Hereditary Cancer Syndrome; Hereditary neoplastic syndrome. Identifiers: Orphanet 140162, MedGen C0027672, MeSH D009386, MONDO:0015356.

Submission:

Ambry Genetics
Classification: Uncertain significance for Hereditary cancer-predisposing syndrome. Last evaluated: 2026-02-23. Review status: criteria provided, single submitter. Criteria: Ambry Variant Classification Scheme 2023. Collection method: clinical testing. Allele origin: germline.
Comment: The p.D1133Y variant (also known as c.3397G>T), located in coding exon 15 of the APC gene, results from a G to T substitution at nucleotide position 3397. The aspartic acid at codon 1133 is replaced by tyrosine, an amino acid with highly dissimilar properties. This amino acid position is conserved. In addition, in silico predictors for this gene do not accurately predict pathogenicity. Based on the available evidence, the clinical significance of this variant remains unclear.